The following is an entry in ClinVar:

ClinVar aggregate classification (germline): Conflicting classifications of pathogenicity. Review status: criteria provided, conflicting classifications (1 of 4 stars). 2 submissions from 2 submitters: Uncertain significance (1); Likely benign (1). Last evaluated 2024-10-15.

Allele frequency attached by ClinVar (database versions not stated): gnomAD exomes 0.00002 and 0.00008; gnomAD 0.00003; ExAC 0.00005; TOPMed 0.00005; 1000 Genomes Project 30x 0.00016; 1000 Genomes Project 0.00020.
gnomAD v4.1: 42 of 1,614,014 alleles (0.0026%); highest among the groups gnomAD compares: East Asian, 0.025%; no homozygotes.

Submissions (2):

Blueprint Genetics
Classification: Likely benign. Last evaluated: 2024-10-15. Review status: criteria provided, single submitter. Criteria: ACMG Guidelines, 2015. Collection method: clinical testing. Allele origin: germline.

Labcorp Genetics (formerly Invitae), Labcorp
Classification: Uncertain significance. Last evaluated: 2021-12-08. Review status: criteria provided, single submitter. Criteria: Invitae Variant Classification Sherloc (09022015). Collection method: clinical testing. Allele origin: germline.
Comment: This sequence change affects codon 267 of the SLC12A3 mRNA. It is a 'silent' change, meaning that it does not change the encoded amino acid sequence of the SLC12A3 protein. This variant is present in population databases (rs201871800, gnomAD 0.07%). This variant has not been reported in the literature in individuals affected with SLC12A3-related conditions. Algorithms developed to predict the effect of sequence changes on RNA splicing suggest that this variant may create or strengthen a splice site. In summary, the available evidence is currently insufficient to determine the role of this variant in disease. Therefore, it has been classified as a Variant of Uncertain Significance.

NM_001126108.2(SLC12A3):c.801G>A (p.Ser267=)

Gene: SLC12A3 (solute carrier family 12 member 3; plus strand). Cytogenetic location: 16q13.
Variant type: single nucleotide variant.
Coding change: c.801G>A on transcript NM_001126108.2 (MANE Select); coding-DNA position 801, G replaced by A.
Protein change: p.Ser267=; no amino-acid change (serine 267 retained).
Molecular consequence: synonymous variant.
Genome position (GRCh38, 1-based): chr16:56,870,685, G>A. VCF-style: chr16-56870685-G-A. GRCh37 (hg19) VCF-style: chr16-56904597-G-A.
Other names: c.801G>A, p.Ser267= (NM_000339.3); c.798G>A, p.Ser266= (NM_001126107.2).
Identifiers: ClinVar variation 1514294 (VCV001514294.4), dbSNP rs201871800, ClinGen allele CA8069215.